The following is an entry in ClinVar:

ClinVar aggregate classification (germline): Pathogenic/Likely pathogenic. Review status: criteria provided, multiple submitters, no conflicts (2 of 4 stars). 3 submissions from 3 submitters: Pathogenic (1); Likely pathogenic (2). Last evaluated 2024-06-04.

Conditions:
Recessive dystrophic epidermolysis bullosa (RDEB). Also called: DYSTROPHIC EPIDERMOLYSIS BULLOSA, AUTOSOMAL RECESSIVE; EPIDERMOLYSIS BULLOSA DYSTROPHICA, HALLOPEAU-SIEMENS TYPE; epidermolysis bullosa dystrophica, autosomal recessive; Recessive DEB (RDEB); Hallopeau-Siemens Disease; severe generalized recessive dystrophic epidermolysis bullosa. Identifiers: Orphanet 79408, Orphanet 79409, MedGen C0079474, MONDO:0009179, OMIM 226600.
Nonsyndromic congenital nail disorder 8. Also called: TOENAIL DYSTROPHY, ISOLATED. Identifiers: MedGen C1843761, MONDO:0011852, OMIM 607523.
Dominant dystrophic epidermolysis bullosa with absence of skin. Also called: EPIDERMOLYSIS BULLOSA WITH CONGENITAL LOCALIZED ABSENCE OF SKIN AND DEFORMITY OF NAILS; EPIDERMOLYSIS BULLOSA DYSTROPHICA, BART TYPE. Identifiers: MedGen C0268371, MONDO:0007557, OMIM 132000.
Pretibial dystrophic epidermolysis bullosa. Also called: EPIDERMOLYSIS BULLOSA DYSTROPHICA, PRETIBIAL; Pretibial epidermolysis bullosa; Pretibial blistering. Identifiers: Orphanet 79410, MedGen C0432321, MONDO:0007552, OMIM 131850, HP:0012221.
Transient bullous dermolysis of the newborn (TBDN). Also called: DYSTROPHIC EPIDERMOLYSIS BULLOSA, NEONATAL; EPIDERMOLYSIS BULLOSA DYSTROPHICA, NEONATAL FORM. Identifiers: Orphanet 79411, MedGen C1851573, MONDO:0007548, OMIM 131705.
Generalized dominant dystrophic epidermolysis bullosa (DDEB). Also called: Dominant DEB (DDEB); DDEB, generalized; DDEB-gen; DYSTROPHIC EPIDERMOLYSIS BULLOSA, AUTOSOMAL DOMINANT; Epidermolysis bullosa dystrophica, autosomal dominant. Identifiers: Orphanet 231568, MedGen C0432322, MONDO:0007549, OMIM 131750.
Epidermolysis bullosa pruriginosa. Also called: DEB, PRURIGINOSA; DYSTROPHIC EPIDERMOLYSIS BULLOSA PRURIGINOSA. Identifiers: Orphanet 89843, MedGen C1275114, MONDO:0011398, OMIM 604129.

gnomAD v4.1: 3 of 1,614,182 alleles (0.00019%); highest among the groups gnomAD compares: Non-Finnish European, 0.00025%; no homozygotes.

Submissions (3):

Fulgent Genetics
Classification: Likely pathogenic for Transient bullous dermolysis of the newborn; Generalized dominant dystrophic epidermolysis bullosa; Pretibial dystrophic epidermolysis bullosa; Dominant dystrophic epidermolysis bullosa with absence of skin; Recessive dystrophic epidermolysis bullosa; Epidermolysis bullosa pruriginosa; Nonsyndromic congenital nail disorder 8. Last evaluated: 2024-06-04. Review status: criteria provided, single submitter. Criteria: ACMG Guidelines, 2015. Collection method: clinical testing. Allele origin: germline.

Women's Health and Genetics/Laboratory Corporation of America, LabCorp
Classification: Likely pathogenic for Recessive dystrophic epidermolysis bullosa. Last evaluated: 2024-06-03. Review status: criteria provided, single submitter. Criteria: LabCorp Variant Classification Summary - May 2015. Collection method: clinical testing. Allele origin: germline.
Comment: Variant summary: COL7A1 c.7097G>C (p.Gly2366Ala) results in a non-conservative amino acid change located in the collagen triple helix repeat (IPR008160) domain of the encoded protein sequence. Five of five in-silico tools predict a damaging effect of the variant on protein function. The variant was absent in 251362 control chromosomes (gnomAD). c.7097G>C has been reported in the literature in individuals affected with clinical features of autosomal recessive dystrophic epidermolysis bullosa (Pruneddu_2010, Chen_2022) and in one family the variant segregated with the disease (Pruneddu_2010). These data indicate that the variant is likely to be associated with disease. To our knowledge, no experimental evidence demonstrating an impact on protein function has been reported. The following publications have been ascertained in the context of this evaluation (PMID: 21196708, 36287101). ClinVar contains an entry for this variant (Variation ID: 2734505). Based on the evidence outlined above, the variant was classified as likely pathogenic.

Labcorp Genetics (formerly Invitae), Labcorp
Classification: Pathogenic. Last evaluated: 2023-09-01. Review status: criteria provided, single submitter. Criteria: Invitae Variant Classification Sherloc (09022015). Collection method: clinical testing. Allele origin: germline.
Comment: For these reasons, this variant has been classified as Pathogenic. This variant disrupts the triple helix domain of COL7A1. Glycine residues within the Gly-Xaa-Yaa repeats of the triple helix domain are required for the structure and stability of fibrillar collagens (PMID: 7695699, 8218237, 19344236), and variants at these glycine residues in COL7A1 are more frequently observed in individuals with disease than in the general population (PMID: 22058051). However, the clinical significance of this observation remains uncertain since only a limited number of affected individuals have been described to date. Advanced modeling of protein sequence and biophysical properties (such as structural, functional, and spatial information, amino acid conservation, physicochemical variation, residue mobility, and thermodynamic stability) performed at Invitae indicates that this missense variant is expected to disrupt COL7A1 protein function. This missense change has been observed in individual(s) with autosomal recessive dystrophic epidermolysis bullosa (PMID: 21196708). It has also been observed to segregate with disease in related individuals. This variant is not present in population databases (gnomAD no frequency). This sequence change replaces glycine, which is neutral and non-polar, with alanine, which is neutral and non-polar, at codon 2366 of the COL7A1 protein (p.Gly2366Ala).

Literature cited by the submitters: PubMed 36287101 (cited by Women's Health and Genetics/Laboratory Corporation of America, LabCorp); PubMed 21196708 (cited by Women's Health and Genetics/Laboratory Corporation of America, LabCorp and Labcorp Genetics (formerly Invitae), Labcorp); PubMed 7695699 (cited by Labcorp Genetics (formerly Invitae), Labcorp); PubMed 8218237 (cited by Labcorp Genetics (formerly Invitae), Labcorp); PubMed 19344236 (cited by Labcorp Genetics (formerly Invitae), Labcorp); PubMed 22058051 (cited by Labcorp Genetics (formerly Invitae), Labcorp).

NM_000094.4(COL7A1):c.7097G>C (p.Gly2366Ala)

Gene: COL7A1 (collagen type VII alpha 1 chain; minus strand). Cytogenetic location: 3p21.31.
Variant type: single nucleotide variant.
Coding change: c.7097G>C on transcript NM_000094.4 (MANE Select); coding-DNA position 7097, G replaced by C.
Protein change: p.Gly2366Ala; replaces glycine 2366 with alanine.
Molecular consequence: missense variant.
Genome position (GRCh38, 1-based): chr3:48,571,250, C>G on the plus strand (G>C on the coding strand, the complement: COL7A1 is on the minus strand). VCF-style: chr3-48571250-C-G. GRCh37 (hg19) VCF-style: chr3-48608683-C-G.
Other names: short protein forms G2366A.
Identifiers: ClinVar variation 2734505 (VCV002734505.5), dbSNP rs2043899331, ClinGen allele CA352651445.